The following is an entry in ClinVar:

ClinVar aggregate classification (germline): Benign (1 of 4 stars; one submission).

Allele frequency attached by ClinVar (database versions not stated): gnomAD 0.00003 and 0.00004; gnomAD exomes 0.00003; TOPMed 0.00005.
gnomAD v4.1: 27 of 585,182 alleles (0.0046%); highest among the groups gnomAD compares: East Asian, 0.04%; no homozygotes.

Submission:

GeneDx
Classification: Benign. Last evaluated: 2014-05-13. Review status: criteria provided, single submitter. Criteria: GeneDx Variant Classification (06012015). Collection method: clinical testing. Allele origin: germline. Affected: yes.
Comment: This variant is considered likely benign or benign based on one or more of the following criteria: it is a conservative change, it occurs at a poorly conserved position in the protein, it is predicted to be benign by multiple in silico algorithms, and/or has population frequency not consistent with disease.

NM_007373.4(SHOC2):c.-228T>G

Gene: SHOC2 (SHOC2 leucine rich repeat scaffold protein; plus strand). Cytogenetic location: 10q25.2.
Variant type: single nucleotide variant.
Coding change: c.-228T>G on transcript NM_007373.4 (MANE Select); 228 bases upstream of the start codon, T replaced by G.
Molecular consequence: 5 prime UTR variant.
Genome position (GRCh38, 1-based): chr10:110,964,131, T>G. VCF-style: chr10-110964131-T-G. GRCh37 (hg19) VCF-style: chr10-112723889-T-G.
Other names: c.-228T>G (NM_001269039.3, NM_001324336.2, NM_001324337.2).
Identifiers: ClinVar variation 139103 (VCV000139103.1), dbSNP rs376966948, ClinGen allele CA293477.